The following is an entry in ClinVar:

ClinVar aggregate classification (germline): Likely pathogenic (1 of 4 stars; one submission).

Conditions:
Arthrogryposis, distal, with impaired proprioception and touch (DAIPT). Identifiers: MedGen C4310692, MONDO:0014941, OMIM 617146.

Submission:

Institute of Human Genetics, Heidelberg University
Classification: Likely pathogenic for Arthrogryposis, distal, with impaired proprioception and touch. Last evaluated: 2025-01-30. Review status: criteria provided, single submitter. Criteria: ACMG Guidelines, 2015. Collection method: clinical testing. Allele origin: biparental. Affected: yes. Observed: 3 variant alleles.
Comment: PVS1, PM2_supp

NM_001378183.1(PIEZO2):c.7553del (p.Gly2518fs)

Gene: PIEZO2 (piezo type mechanosensitive ion channel component 2; minus strand). Cytogenetic location: 18p11.22.
Variant type: Deletion.
Coding change: c.7553del on transcript NM_001378183.1 (MANE Select); coding-DNA position 7553, one base deleted (G; older notation c.7553delG).
Protein change: p.Gly2518fs; shifts the reading frame from glycine 2518.
Molecular consequence: frameshift variant.
Genome position (GRCh38, 1-based): chr18:10,682,237, C deleted on the plus strand (G on the coding strand, the reverse complement: PIEZO2 is on the minus strand); the first of 3 consecutive C bases (chr18:10,682,237-10,682,239); deleting any one gives the same sequence. VCF-style (leftmost placement, unchanged base first): chr18-10682236-TC-T. GRCh37 (hg19) VCF-style: chr18-10682233-TC-T.
Other names: c.7289del, p.Gly2430fs (NM_001410871.1); c.7214del, p.Gly2405fs (NM_022068.4); short protein forms G2405fs, G2430fs, G2518fs.
Identifiers: ClinVar variation 4277235 (VCV004277235.1).
Genomic context (GRCh38, chr18:10,682,236, plus strand): 5'-CAAAGACATGAAGAGAAGAGGAAACCAGACAATGCAGATGAGCAGGACGATGATCATTCC[TC>T]CCATGCCATACTTCACCACTTTCTTCTTCTTCTGGCCCCGTGGCTGAGGGTATCTCTGCA-3'